The following is an entry in ClinVar:

NM_001843.4(CNTN1):c.1416C>T (p.Asn472=)

Gene: CNTN1 (contactin 1; plus strand). Cytogenetic location: 12q12.
Variant type: single nucleotide variant.
Coding change: c.1416C>T on transcript NM_001843.4 (MANE Select); coding-DNA position 1416, C replaced by T.
Protein change: p.Asn472=; no amino-acid change (asparagine 472 retained).
Molecular consequence: synonymous variant.
Genome position (GRCh38, 1-based): chr12:40,943,633, C>T. VCF-style: chr12-40943633-C-T. GRCh37 (hg19) VCF-style: chr12-41337435-C-T.
Other names: c.1416C>T, p.Asn472= (NM_001256063.2, NM_001256064.2); c.1383C>T, p.Asn461= (NM_175038.2).
Identifiers: ClinVar variation 128791 (VCV000128791.20), dbSNP rs1056019, ClinGen allele CA152438.

ClinVar aggregate classification (germline): Benign. Review status: criteria provided, multiple submitters, no conflicts (2 of 4 stars). 6 submissions from 6 submitters: Benign (6). Last evaluated 2026-02-04.

Conditions:
Compton-North congenital myopathy (CMYO12). Identifiers: Orphanet 210163, MedGen C2675527, MONDO:0012929, OMIM 612540.

Allele frequency attached by ClinVar (database versions not stated): 1000 Genomes Project 0.57149; 1000 Genomes Project 30x 0.57917; TOPMed 0.61772; ExAC 0.61925; gnomAD exomes 0.62085; gnomAD 0.62119 and 0.62528; ESP Exome Variant Server 0.62158.
gnomAD v4.1: 984,007 of 1,591,976 alleles (62%); highest among the groups gnomAD compares: Middle Eastern, 70%; 305,935 homozygotes.

Submissions (6):

Labcorp Genetics (formerly Invitae), Labcorp
Classification: Benign for Compton-North congenital myopathy. Last evaluated: 2026-02-04. Review status: criteria provided, single submitter. Criteria: Invitae Variant Classification Sherloc (09022015). Collection method: clinical testing. Allele origin: germline.

Genome-Nilou Lab
Classification: Benign for Compton-North congenital myopathy. Last evaluated: 2021-07-22. Review status: criteria provided, single submitter. Criteria: ACMG Guidelines, 2015. Collection method: clinical testing. Allele origin: germline. Affected: no.

GeneDx
Classification: Benign. Last evaluated: 2016-01-05. Review status: criteria provided, single submitter. Criteria: GeneDx Variant Classification (06012015). Collection method: clinical testing. Allele origin: germline. Affected: yes.
Comment: This variant is considered likely benign or benign based on one or more of the following criteria: it is a conservative change, it occurs at a poorly conserved position in the protein, it is predicted to be benign by multiple in silico algorithms, and/or has population frequency not consistent with disease.

Genetic Services Laboratory, University of Chicago
Classification: Benign for AllHighlyPenetrant. Last evaluated: 2013-08-15. Review status: criteria provided, single submitter. Criteria: ACMG Guidelines, 2007. Collection method: clinical testing. Allele origin: germline. Inheritance: Autosomal recessive inheritance.

Breakthrough Genomics
Classification: Benign. Review status: criteria provided, single submitter. Criteria: ACMG Guidelines, 2015. Collection method: not provided. Allele origin: germline. Inheritance: Autosomal recessive inheritance. Affected: yes.

PreventionGenetics, part of Exact Sciences
Classification: Benign. Review status: criteria provided, single submitter. Criteria: ACMG Guidelines, 2015. Collection method: clinical testing. Allele origin: germline.